The following is an entry in ClinVar:

NM_002439.5(MSH3):c.2165T>C (p.Val722Ala)

Gene: MSH3 (mutS homolog 3; plus strand). Cytogenetic location: 5q14.1.
Variant type: single nucleotide variant.
Coding change: c.2165T>C on transcript NM_002439.5 (MANE Select); coding-DNA position 2165, T replaced by C.
Protein change: p.Val722Ala; replaces valine 722 with alanine.
Molecular consequence: missense variant.
Genome position (GRCh38, 1-based): chr5:80,768,915, T>C. VCF-style: chr5-80768915-T-C. GRCh37 (hg19) VCF-style: chr5-80064734-T-C.
Other names: short protein forms V722A.
Identifiers: ClinVar variation 1719747 (VCV001719747.5), dbSNP rs2546774258, ClinGen allele CA360279473.

ClinVar aggregate classification (germline): Uncertain significance (1 of 4 stars; one submission).

Submission:

Labcorp Genetics (formerly Invitae), Labcorp
Classification: Uncertain significance. Last evaluated: 2022-09-19. Review status: criteria provided, single submitter. Criteria: Invitae Variant Classification Sherloc (09022015). Collection method: clinical testing. Allele origin: germline.
Comment: In summary, the available evidence is currently insufficient to determine the role of this variant in disease. Therefore, it has been classified as a Variant of Uncertain Significance. Algorithms developed to predict the effect of missense changes on protein structure and function output the following: SIFT: "Deleterious"; PolyPhen-2: "Benign"; Align-GVGD: "Class C0". The alanine amino acid residue is found in multiple mammalian species, which suggests that this missense change does not adversely affect protein function. This variant has not been reported in the literature in individuals affected with MSH3-related conditions. This variant is not present in population databases (gnomAD no frequency). This sequence change replaces valine, which is neutral and non-polar, with alanine, which is neutral and non-polar, at codon 722 of the MSH3 protein (p.Val722Ala).